The following is an entry in ClinVar:

NM_001039348.3(EFEMP1):c.658A>G (p.Ile220Val)

Gene: EFEMP1 (EGF-like fibulin extracellular matrix protein 1; minus strand). Cytogenetic location: 2p16.1.
Variant type: single nucleotide variant.
Coding change: c.658A>G on transcript NM_001039348.3 (MANE Select); coding-DNA position 658, A replaced by G.
Protein change: p.Ile220Val; replaces isoleucine 220 with valine.
Molecular consequence: missense variant.
Genome position (GRCh38, 1-based): chr2:55,877,848, T>C on the plus strand (A>G on the coding strand, the complement: EFEMP1 is on the minus strand). VCF-style: chr2-55877848-T-C. GRCh37 (hg19) VCF-style: chr2-56104983-T-C.
Other names: c.658A>G, p.Ile220Val (NM_001039349.3); short protein forms I220V.
Identifiers: ClinVar variation 2114018 (VCV002114018.4), dbSNP rs748965004, ClinGen allele CA347029375.
Genomic context (GRCh38, chr2:55,877,848, plus strand): 5'-TGCACTGGCAATAAAATGAGCCTGGTGTATTCACGCATCTTTGGTGGCAATATGGAGGGA[T>C]GGTACATTCATCTATGTCTAGGTTATCAGGCACACACACAAAGAGAACCAAATTATTGAA-3'
Protein context (NP_001034437.1, residues 210-230): EQCVDIDECT[Ile220Val]PPYCHQRCVN

ClinVar aggregate classification (germline): Uncertain significance (1 of 4 stars; one submission).

gnomAD v4.1: 1 of 1,613,076 alleles (0.000062%); highest among the groups gnomAD compares: Non-Finnish European, 0.000085%; no homozygotes.

Submission:

Labcorp Genetics (formerly Invitae), Labcorp
Classification: Uncertain significance. Last evaluated: 2022-07-02. Review status: criteria provided, single submitter. Criteria: Invitae Variant Classification Sherloc (09022015). Collection method: clinical testing. Allele origin: germline.
Comment: This sequence change replaces isoleucine, which is neutral and non-polar, with valine, which is neutral and non-polar, at codon 220 of the EFEMP1 protein (p.Ile220Val). In summary, the available evidence is currently insufficient to determine the role of this variant in disease. Therefore, it has been classified as a Variant of Uncertain Significance. Algorithms developed to predict the effect of missense changes on protein structure and function output the following: SIFT: "Tolerated"; PolyPhen-2: "Benign"; Align-GVGD: "Class C0". The valine amino acid residue is found in multiple mammalian species, which suggests that this missense change does not adversely affect protein function. This variant has not been reported in the literature in individuals affected with EFEMP1-related conditions. This variant is not present in population databases (gnomAD no frequency).